The following is an entry in ClinVar:

NM_012434.5(SLC17A5):c.1121del (p.Gly374fs)

Gene: SLC17A5 (solute carrier family 17 member 5; minus strand). Cytogenetic location: 6q13.
Variant type: Deletion.
Coding change: c.1121del on transcript NM_012434.5 (MANE Select); coding-DNA position 1121, one base deleted (G; older notation c.1121delG).
Protein change: p.Gly374fs; shifts the reading frame from glycine 374.
Molecular consequence: frameshift variant.
Genome position (GRCh38, 1-based): chr6:73,610,538, C deleted on the plus strand (G on the coding strand, the reverse complement: SLC17A5 is on the minus strand); the first of 2 consecutive C bases (chr6:73,610,538-73,610,539); deleting either gives the same sequence. VCF-style (leftmost placement, unchanged base first): chr6-73610537-TC-T. GRCh37 (hg19) VCF-style: chr6-74320260-TC-T.
Other names: short protein forms G374fs.
Identifiers: ClinVar variation 371242 (VCV000371242.13), dbSNP rs1057517119, ClinGen allele CA16041079.
Genomic context (GRCh38, chr6:73,610,537, plus strand): 5'-AGCAACGGCCAAAGAATAATCACAGCCAATGAAGCCAGCAGCTACCAGGAATACTGCAGG[TC>T]CAATCATTCCTGGAGTTAAAAAGTTATAAAAGGGAAAAAACACCCAGCATTAATATTTGC-3'

ClinVar aggregate classification (germline): Pathogenic/Likely pathogenic. Review status: criteria provided, multiple submitters, no conflicts (2 of 4 stars). 5 submissions from 5 submitters: Pathogenic (1); Likely pathogenic (3). 1 of the submissions does not count toward it. Last evaluated 2025-07-11.

Conditions:
SLC17A5-related disorder. Also called: SLC17A5-related condition; SLC17A5-related disorders.
Salla disease (SD). Also called: Less Severe FSASD (Salla Disease); Sialuria, Finnish type; N-acetylneuraminic acid (NANA) storage disease (NSD); Infantile sialic acid storage disorder (ISSD). Identifiers: Orphanet 309334, Orphanet 834, MedGen C1096903, MONDO:0011449, OMIM 604369.

Submissions (5):

PreventionGenetics, part of Exact Sciences
Classification: Likely pathogenic for SLC17A5-related condition. Last evaluated: 2025-07-11. Review status: criteria provided, single submitter. Criteria: ACMG Guidelines, 2015. Collection method: clinical testing. Allele origin: germline.
Comment: The SLC17A5 c.1121delG variant is predicted to result in a frameshift and premature protein termination (p.Gly374Aspfs*7). To our knowledge, this variant has not been reported in the literature or in a large population database (gnomAD), indicating this variant is rare. Frameshift variants in SLC17A5 are expected to be pathogenic. This variant is interpreted as likely pathogenic.

Baylor Genetics
Classification: Likely pathogenic for Salla disease. Last evaluated: 2023-12-12. Review status: criteria provided, single submitter. Criteria: ACMG Guidelines, 2015. Collection method: clinical testing. Allele origin: unknown.

Labcorp Genetics (formerly Invitae), Labcorp
Classification: Pathogenic for Salla disease. Last evaluated: 2022-03-23. Review status: criteria provided, single submitter. Criteria: Invitae Variant Classification Sherloc (09022015). Collection method: clinical testing. Allele origin: germline.
Comment: This variant has not been reported in the literature in individuals affected with SLC17A5-related conditions. For these reasons, this variant has been classified as Pathogenic. ClinVar contains an entry for this variant (Variation ID: 371242). This variant is not present in population databases (gnomAD no frequency). This sequence change creates a premature translational stop signal (p.Gly374Aspfs*7) in the SLC17A5 gene. It is expected to result in an absent or disrupted protein product. Loss-of-function variants in SLC17A5 are known to be pathogenic (PMID: 10581036, 10947946, 15172001).

Genome-Nilou Lab
Classification: Likely pathogenic for Salla disease. Last evaluated: 2021-09-05. Review status: criteria provided, single submitter. Criteria: ACMG Guidelines, 2015. Collection method: clinical testing. Allele origin: germline. Affected: no.

Counsyl
Classification: Likely pathogenic for Salla disease. Last evaluated: 2016-08-04. Review status: no assertion criteria provided. Collection method: clinical testing. Allele origin: unknown. Not counted in ClinVar's aggregate classification.

Literature cited by the submitters: PubMed 10581036 (cited by Labcorp Genetics (formerly Invitae), Labcorp); PubMed 10947946 (cited by Labcorp Genetics (formerly Invitae), Labcorp); PubMed 15172001 (cited by Labcorp Genetics (formerly Invitae), Labcorp).